The following is an entry in ClinVar:

NM_014712.3(SETD1A):c.2093G>A (p.Gly698Glu)

Gene: SETD1A (SET domain containing 1A, histone lysine methyltransferase; plus strand). Cytogenetic location: 16p11.2.
Variant type: single nucleotide variant.
Coding change: c.2093G>A on transcript NM_014712.3 (MANE Select); coding-DNA position 2093, G replaced by A.
Protein change: p.Gly698Glu; replaces glycine 698 with glutamic acid.
Molecular consequence: missense variant.
Genome position (GRCh38, 1-based): chr16:30,965,974, G>A. VCF-style: chr16-30965974-G-A. GRCh37 (hg19) VCF-style: chr16-30977295-G-A.
Other names: short protein forms G698E.
Identifiers: ClinVar variation 2505902 (VCV002505902.1), dbSNP rs2543861531, ClinGen allele CA395657517.
Genomic context (GRCh38, chr16:30,965,974, plus strand): 5'-TGTCCTTCCAGATGCAGACCCAGATGTTAACTCGGCTCCATCAGCTGCGGCAGGGCAAGG[G>A]ATTGATTGCCGCCTCAGCTGGCCCCCCCGGTGGGGCCTTTGGGGAGGCCTTCCTCCCGTT-3'
Protein context (NP_055527.1, residues 688-708): TRLHQLRQGK[Gly698Glu]LIAASAGPPG

ClinVar aggregate classification (germline): Uncertain significance (1 of 4 stars; one submission).

Allele frequency attached by ClinVar (database versions not stated): gnomAD exomes below 0.00001.

Submission:

GeneDx
Classification: Uncertain significance. Last evaluated: 2023-06-14. Review status: criteria provided, single submitter. Criteria: GeneDx Variant Classification Process June 2021. Collection method: clinical testing. Allele origin: germline. Affected: yes.
Comment: Not observed at significant frequency in large population cohorts (gnomAD); In silico analysis supports that this missense variant does not alter protein structure/function; Has not been previously published as pathogenic or benign to our knowledge